The following is an entry in ClinVar:

NM_002900.3(RBP3):c.1031T>C (p.Val344Ala)

Gene: RBP3 (retinol binding protein 3; plus strand). Cytogenetic location: 10q11.22.
Variant type: single nucleotide variant.
Coding change: c.1031T>C on transcript NM_002900.3 (MANE Select); coding-DNA position 1031, T replaced by C.
Protein change: p.Val344Ala; replaces valine 344 with alanine.
Molecular consequence: missense variant.
Genome position (GRCh38, 1-based): chr10:47,349,515, T>C. VCF-style: chr10-47349515-T-C. GRCh37 (hg19) VCF-style: chr10-48389847-A-G.
Other names: short protein forms V344A.
Identifiers: ClinVar variation 1054997 (VCV001054997.10), dbSNP rs2132253257, ClinGen allele CA376667663.

ClinVar aggregate classification (germline): Uncertain significance. Review status: criteria provided, multiple submitters, no conflicts (2 of 4 stars). 2 submissions from 2 submitters: Uncertain significance (2). Last evaluated 2022-04-25.

Submissions (2):

Blueprint Genetics
Classification: Uncertain significance. Last evaluated: 2022-04-25. Review status: criteria provided, single submitter. Criteria: ACMG Guidelines, 2015. Collection method: clinical testing. Allele origin: germline.

Labcorp Genetics (formerly Invitae), Labcorp
Classification: Uncertain significance. Last evaluated: 2021-07-08. Review status: criteria provided, single submitter. Criteria: Invitae Variant Classification Sherloc (09022015). Collection method: clinical testing. Allele origin: germline.
Comment: This sequence change replaces valine with alanine at codon 344 of the RBP3 protein (p.Val344Ala). The valine residue is highly conserved and there is a small physicochemical difference between valine and alanine. This variant is not present in population databases (ExAC no frequency). This variant has not been reported in the literature in individuals with RBP3-related conditions. Algorithms developed to predict the effect of missense changes on protein structure and function are either unavailable or do not agree on the potential impact of this missense change (SIFT: "Tolerated"; PolyPhen-2: "Possibly Damaging"; Align-GVGD: "Class C0"). In summary, the available evidence is currently insufficient to determine the role of this variant in disease. Therefore, it has been classified as a Variant of Uncertain Significance.